The following is an entry in ClinVar:

ClinVar aggregate classification (germline): Likely benign (1 of 4 stars; one submission).

Submission:

CeGaT Center for Human Genetics Tuebingen
Classification: Likely benign. Last evaluated: 2026-07-01. Review status: criteria provided, single submitter. Criteria: CeGaT Center For Human Genetics Tuebingen Variant Classification Criteria Version 2. Collection method: clinical testing. Allele origin: germline. Affected: yes. Observed: 2 variant alleles.
Comment: HLA-DQA1: BS2

NM_002122.5(HLA-DQA1):c.295del (p.Ile98_Met99insTer)

Gene: HLA-DQA1 (major histocompatibility complex, class II, DQ alpha 1; plus strand). Cytogenetic location: 6p21.32.
Variant type: Deletion.
Coding change: c.295del on transcript NM_002122.5 (MANE Select); coding-DNA position 295, one base deleted (A; older notation c.295delA).
Protein change: p.Ile98_Met99insTer.
Molecular consequence: nonsense.
Genome position (GRCh38, 1-based): chr6:32,641,522, A deleted. VCF-style (leftmost placement, unchanged base first): chr6-32641521-CA-C. GRCh37 (hg19) VCF-style: chr6-32609298-CA-C.
Identifiers: ClinVar variation 4822732 (VCV004822732.4).